The following is an entry in ClinVar:

NM_000550.3(TYRP1):c.1436T>A (p.Ile479Asn)

Genes: LURAP1L-AS1 (LURAP1L antisense RNA 1; minus strand), TYRP1 (tyrosinase related protein 1; plus strand). Cytogenetic location: 9p23.
Variant type: single nucleotide variant.
Coding change: c.1436T>A on transcript NM_000550.3 (MANE Select); coding-DNA position 1436, T replaced by A.
Protein change: p.Ile479Asn; replaces isoleucine 479 with asparagine.
Molecular consequence: missense variant.
Genome position (GRCh38, 1-based): chr9:12,709,004, T>A. VCF-style: chr9-12709004-T-A. GRCh37 (hg19) VCF-style: chr9-12709004-T-A.
Other names: short protein forms I479N.
Identifiers: ClinVar variation 1516207 (VCV001516207.7), dbSNP rs1271357861, ClinGen allele CA372932405.

ClinVar aggregate classification (germline): Uncertain significance (1 of 4 stars; one submission).

Allele frequency attached by ClinVar (database versions not stated): gnomAD exomes below 0.00001; gnomAD 0.00001; TOPMed 0.00001.
gnomAD v4.1: 4 of 1,612,502 alleles (0.00025%); highest among the groups gnomAD compares: Non-Finnish European, 0.00025%; no homozygotes.

Submission:

Labcorp Genetics (formerly Invitae), Labcorp
Classification: Uncertain significance. Last evaluated: 2025-01-06. Review status: criteria provided, single submitter. Criteria: Invitae Variant Classification Sherloc (09022015). Collection method: clinical testing. Allele origin: germline.
Comment: This sequence change replaces isoleucine, which is neutral and non-polar, with asparagine, which is neutral and polar, at codon 479 of the TYRP1 protein (p.Ile479Asn). This variant is not present in population databases (gnomAD no frequency). This variant has not been reported in the literature in individuals affected with TYRP1-related conditions. ClinVar contains an entry for this variant (Variation ID: 1516207). Invitae Evidence Modeling of protein sequence and biophysical properties (such as structural, functional, and spatial information, amino acid conservation, physicochemical variation, residue mobility, and thermodynamic stability) indicates that this missense variant is expected to disrupt TYRP1 protein function with a positive predictive value of 80%. In summary, the available evidence is currently insufficient to determine the role of this variant in disease. Therefore, it has been classified as a Variant of Uncertain Significance.